The following is an entry in ClinVar:

NM_000051.4(ATM):c.1338G>A (p.Gln446=)

Gene: ATM (ATM serine/threonine kinase; plus strand). Cytogenetic location: 11q22.3.
Variant type: single nucleotide variant.
Coding change: c.1338G>A on transcript NM_000051.4 (MANE Select); coding-DNA position 1338, G replaced by A.
Protein change: p.Gln446=; no amino-acid change (glutamine 446 retained).
Molecular consequence: synonymous variant.
Genome position (GRCh38, 1-based): chr11:108,250,803, G>A. VCF-style: chr11-108250803-G-A. GRCh37 (hg19) VCF-style: chr11-108121530-G-A.
Other names: c.1338G>A, p.Gln446= (NM_001351834.2).
Identifiers: ClinVar variation 922124 (VCV000922124.10), dbSNP rs771673512, ClinGen allele CA6264801.
Genomic context (GRCh38, chr11:108,250,803, plus strand): 5'-TTTACCTAACTGTGAGCTGTCTCCATTACTGATGATACTATCTCAGCTTCTACCCCAACA[G>A]CGACATGGGGAACGTACACCATATGTGTTACGATGCCTTACGGAAGTTGCATTGTGTCAA-3'
Protein context (NP_000042.3, residues 436-456): LMILSQLLPQ[Gln446=]RHGERTPYVL

ClinVar aggregate classification (germline): Benign/Likely benign. Review status: criteria provided, multiple submitters, no conflicts (2 of 4 stars). 4 submissions from 4 submitters: Benign (1); Likely benign (3). Last evaluated 2024-04-26.

Conditions:
Hereditary cancer-predisposing syndrome. Also called: Hereditary Cancer Syndrome; Hereditary neoplastic syndrome; Neoplastic Syndromes, Hereditary; Tumor predisposition. Identifiers: Orphanet 140162, MedGen C0027672, MeSH D009386, MONDO:0015356.
Familial cancer of breast. Also called: hereditary breast carcinoma; BREAST CANCER, FAMILIAL; Hereditary breast cancer. Identifiers: Orphanet 227535, MedGen C0346153, MONDO:0016419, OMIM 114480. Disease mechanism: loss of function.
Ataxia-telangiectasia syndrome (AT). Also called: Ataxia-telangiectasia, complementation group E; LOUIS-BAR SYNDROME; Cerebello-oculocutaneous telangiectasia; Immunodeficiency with ataxia telangiectasia; Ataxia-telangiectasia, complementation group D; AT, COMPLEMENTATION GROUP C. Identifiers: Orphanet 100, MedGen C0004135, MONDO:0008840, OMIM 208900.

Allele frequency attached by ClinVar (database versions not stated): ExAC 0.00001; gnomAD exomes 0.00001.

Submissions (4):

Myriad Genetics, Inc.
Classification: Benign for Familial cancer of breast. Last evaluated: 2024-04-26. Review status: criteria provided, single submitter. Criteria: Myriad Autosomal Dominant, Autosomal Recessive and X-Linked Classification Criteria (2023). Collection method: clinical testing. Allele origin: unknown.
Comment: This variant is considered benign. This variant is a silent/synonymous amino acid change and it is not expected to impact splicing.

Labcorp Genetics (formerly Invitae), Labcorp
Classification: Likely benign for Ataxia-telangiectasia syndrome. Last evaluated: 2023-07-21. Review status: criteria provided, single submitter. Criteria: Invitae Variant Classification Sherloc (09022015). Collection method: clinical testing. Allele origin: germline.

Ambry Genetics
Classification: Likely benign for Hereditary cancer-predisposing syndrome. Last evaluated: 2021-01-15. Review status: criteria provided, single submitter. Criteria: Ambry Variant Classification Scheme 2023. Collection method: clinical testing. Allele origin: germline.

Color Diagnostics, LLC DBA Color Health
Classification: Likely benign for Hereditary cancer-predisposing syndrome. Last evaluated: 2019-11-06. Review status: criteria provided, single submitter. Criteria: ACMG Guidelines, 2015. Collection method: clinical testing. Allele origin: germline.